The following is an entry in ClinVar:

NM_000138.5(FBN1):c.2438C>G (p.Ser813Ter)

Gene: FBN1 (fibrillin 1; minus strand). Cytogenetic location: 15q21.1.
Variant type: single nucleotide variant.
Coding change: c.2438C>G on transcript NM_000138.5 (MANE Select); coding-DNA position 2438, C replaced by G.
Protein change: p.Ser813Ter; replaces serine 813 with a stop codon.
Molecular consequence: nonsense.
Genome position (GRCh38, 1-based): chr15:48,495,570, G>C on the plus strand (C>G on the coding strand, the complement: FBN1 is on the minus strand). VCF-style: chr15-48495570-G-C. GRCh37 (hg19) VCF-style: chr15-48787767-G-C.
Other names: short protein forms S813*.
Identifiers: ClinVar variation 638667 (VCV000638667.4), dbSNP rs1597569265, ClinGen allele CA392334767.

ClinVar aggregate classification (germline): Pathogenic. Review status: criteria provided, multiple submitters, no conflicts (2 of 4 stars). 2 submissions from 2 submitters: Pathogenic (2). Last evaluated 2023-07-05.

Conditions:
Marfan syndrome (MFS). Also called: FBN1-Related Marfan Syndrome; Marfan syndrome type 1; Marfan's syndrome; Marfan syndrome, classic; MARFAN SYNDROME, TYPE I. Identifiers: Orphanet 284963, Orphanet 558, MedGen C0024796, MONDO:0007947, OMIM 154700.

Submissions (2):

Institute of Human Genetics Munich, TUM University Hospital
Classification: Pathogenic for Marfan syndrome. Last evaluated: 2023-07-05. Review status: criteria provided, single submitter. Criteria: Classification criteria August 2017. Collection method: clinical testing. Allele origin: germline. Inheritance: Autosomal dominant inheritance. Affected: yes. Observed: 1 variant allele.

Petrovsky National Research Centre of Surgery, The Federal Agency for Scientific Organizations
Classification: Pathogenic for Marfan syndrome. Last evaluated: 2019-08-01. Review status: criteria provided, single submitter. Criteria: ACMG Guidelines, 2015. Collection method: clinical testing. Allele origin: unknown. Inheritance: Autosomal dominant inheritance. Affected: yes. Observed: 1 heterozygote.
Comment: Computational calculations such as PROVEAN show in deleterious effect. Loss-of-function variants in FBN1 gene are known to be pathogenic (PMID: 17657824, 19293843)(ExAC pLI = 1.00).